The following is an entry in ClinVar:

ClinVar aggregate classification (germline): Uncertain significance (1 of 4 stars; one submission).

Allele frequency attached by ClinVar (database versions not stated): gnomAD 0.00001 and 0.00003; TOPMed 0.00003; ExAC 0.00011.
gnomAD v4.1: 48 of 1,607,536 alleles (0.003%); highest among the groups gnomAD compares: Middle Eastern, 0.033%; no homozygotes.

Submission:

Labcorp Genetics (formerly Invitae), Labcorp
Classification: Uncertain significance. Last evaluated: 2023-12-06. Review status: criteria provided, single submitter. Criteria: Invitae Variant Classification Sherloc (09022015). Collection method: clinical testing. Allele origin: germline.
Comment: This sequence change replaces methionine, which is neutral and non-polar, with valine, which is neutral and non-polar, at codon 498 of the MYSM1 protein (p.Met498Val). This variant is present in population databases (rs577569345, gnomAD 0.02%). This variant has not been reported in the literature in individuals affected with MYSM1-related conditions. ClinVar contains an entry for this variant (Variation ID: 1449484). Algorithms developed to predict the effect of missense changes on protein structure and function output the following: SIFT: "Not Available"; PolyPhen-2: "Benign"; Align-GVGD: "Not Available". The valine amino acid residue is found in multiple mammalian species, which suggests that this missense change does not adversely affect protein function. In summary, the available evidence is currently insufficient to determine the role of this variant in disease. Therefore, it has been classified as a Variant of Uncertain Significance.

NM_001085487.3(MYSM1):c.1492A>G (p.Met498Val)

Gene: MYSM1 (Myb like, SWIRM and MPN domains 1; minus strand). Cytogenetic location: 1p32.1.
Variant type: single nucleotide variant.
Coding change: c.1492A>G on transcript NM_001085487.3 (MANE Select); coding-DNA position 1492, A replaced by G.
Protein change: p.Met498Val; replaces methionine 498 with valine.
Molecular consequence: missense variant.
Genome position (GRCh38, 1-based): chr1:58,675,479, T>C on the plus strand (A>G on the coding strand, the complement: MYSM1 is on the minus strand). VCF-style: chr1-58675479-T-C. GRCh37 (hg19) VCF-style: chr1-59141151-T-C.
Other names: short protein forms M498V.
Identifiers: ClinVar variation 1449484 (VCV001449484.7), dbSNP rs577569345, ClinGen allele CA877805.